The following is an entry in ClinVar:

NM_000135.4(FANCA):c.1694C>T (p.Pro565Leu)

Gene: FANCA (FA complementation group A; minus strand). Cytogenetic location: 16q24.3.
Variant type: single nucleotide variant.
Coding change: c.1694C>T on transcript NM_000135.4 (MANE Select); coding-DNA position 1694, C replaced by T.
Protein change: p.Pro565Leu; replaces proline 565 with leucine.
Molecular consequence: missense variant.
Genome position (GRCh38, 1-based): chr16:89,779,890, G>A on the plus strand (C>T on the coding strand, the complement: FANCA is on the minus strand). VCF-style: chr16-89779890-G-A. GRCh37 (hg19) VCF-style: chr16-89846298-G-A.
Other names: c.1694C>T, p.Pro565Leu (NM_001286167.3); short protein forms P565L.
Identifiers: ClinVar variation 5036459 (VCV005036459.1).
Genomic context (GRCh38, chr16:89,779,890, plus strand): 5'-ACTGCAGCTGCTAGAGGCCTTTTCGGCAGCCCAGCCTACCTGGCCTCCATGACGGTGACT[G>A]GGATGTTCCCCGTATGCTCAAACACCATGATGGCCTTTTCAACATCCTGAAGAGCTTGGC-3'
Protein context (NP_000126.2, residues 555-575): IMVFEHTGNI[Pro565Leu]VTVMEASIFR

ClinVar aggregate classification (germline): Uncertain significance (1 of 4 stars; one submission).

Conditions:
Inborn genetic diseases. Identifiers: MedGen C0950123, MeSH D030342.

gnomAD v4.1: 1 of 1,613,936 alleles (0.000062%); highest among the groups gnomAD compares: Non-Finnish European, 0.000085%; no homozygotes.

Submission:

Ambry Genetics
Classification: Uncertain significance for Inborn genetic diseases. Last evaluated: 2026-09-14. Review status: criteria provided, single submitter. Criteria: Ambry Variant Classification Scheme 2023. Collection method: clinical testing. Allele origin: germline.
Comment: The p.P565L variant (also known as c.1694C>T), located in coding exon 18 of the FANCA gene, results from a C to T substitution at nucleotide position 1694. The proline at codon 565 is replaced by leucine, an amino acid with similar properties. This amino acid position is conserved. In addition, this alteration is predicted to be deleterious by in silico analysis. Based on the available evidence, the clinical significance of this variant remains unclear.